The following is an entry in ClinVar:

ClinVar aggregate classification (germline): Likely benign (0 of 4 stars; one submission).

Conditions:
FNDC3A-related disorder. Also called: FNDC3A-related condition.

Allele frequency attached by ClinVar (database versions not stated): gnomAD exomes 0.00010; gnomAD 0.00011; TOPMed 0.00012; ExAC 0.00021; ESP Exome Variant Server 0.00031.
gnomAD v4.1: 183 of 1,612,272 alleles (0.011%); highest among the groups gnomAD compares: Middle Eastern, 0.17%; no homozygotes.

Submission:

PreventionGenetics, part of Exact Sciences
Classification: Likely benign for FNDC3A-related condition. Last evaluated: 2019-06-27. Review status: no assertion criteria provided. Collection method: clinical testing. Allele origin: germline.
Comment: This variant is classified as likely benign based on ACMG/AMP sequence variant interpretation guidelines (Richards et al. 2015 PMID: 25741868, with internal and published modifications).

NM_001079673.2(FNDC3A):c.1653A>G (p.Pro551=)

Gene: FNDC3A (fibronectin type III domain containing 3A; plus strand). Cytogenetic location: 13q14.2.
Variant type: single nucleotide variant.
Coding change: c.1653A>G on transcript NM_001079673.2 (MANE Select); coding-DNA position 1653, A replaced by G.
Protein change: p.Pro551=; no amino-acid change (proline 551 retained).
Molecular consequence: synonymous variant. On other transcripts: non-coding transcript variant (1).
Genome position (GRCh38, 1-based): chr13:49,185,999, A>G. VCF-style: chr13-49185999-A-G. GRCh37 (hg19) VCF-style: chr13-49760135-A-G.
Other names: c.1653A>G, p.Pro551= (NM_001278438.2); c.1485A>G, p.Pro495= (NM_014923.5).
Identifiers: ClinVar variation 3043275 (VCV003043275.2), dbSNP rs140915215, ClinGen allele CA6980134.